The following is an entry in ClinVar:

ClinVar aggregate classification (germline): Uncertain significance (1 of 4 stars; one submission).

Submission:

Labcorp Genetics (formerly Invitae), Labcorp
Classification: Uncertain significance. Last evaluated: 2022-07-18. Review status: criteria provided, single submitter. Criteria: Invitae Variant Classification Sherloc (09022015). Collection method: clinical testing. Allele origin: germline.
Comment: In summary, the available evidence is currently insufficient to determine the role of this variant in disease. Therefore, it has been classified as a Variant of Uncertain Significance. Algorithms developed to predict the effect of missense changes on protein structure and function are either unavailable or do not agree on the potential impact of this missense change (SIFT: "Deleterious"; PolyPhen-2: "Probably Damaging"; Align-GVGD: "Class C0"). ClinVar contains an entry for this variant (Variation ID: 1371715). This variant has not been reported in the literature in individuals affected with KIAA1549-related conditions. This variant is not present in population databases (gnomAD no frequency). This sequence change replaces proline, which is neutral and non-polar, with leucine, which is neutral and non-polar, at codon 1054 of the KIAA1549 protein (p.Pro1054Leu).

NM_001164665.2(KIAA1549):c.3161C>T (p.Pro1054Leu)

Gene: KIAA1549 (KIAA1549; minus strand). Cytogenetic location: 7q34.
Variant type: single nucleotide variant.
Coding change: c.3161C>T on transcript NM_001164665.2 (MANE Select); coding-DNA position 3161, C replaced by T.
Protein change: p.Pro1054Leu; replaces proline 1054 with leucine.
Molecular consequence: missense variant.
Genome position (GRCh38, 1-based): chr7:138,909,106, G>A on the plus strand (C>T on the coding strand, the complement: KIAA1549 is on the minus strand). VCF-style: chr7-138909106-G-A. GRCh37 (hg19) VCF-style: chr7-138593852-G-A.
Other names: c.3161C>T, p.Pro1054Leu (NM_020910.3); short protein forms P1054L.
Identifiers: ClinVar variation 1371715 (VCV001371715.6), dbSNP rs1812095295, ClinGen allele CA369387612.